The following is an entry in ClinVar:

NM_006017.3(PROM1):c.1500del (p.Ile500fs)

Gene: PROM1 (prominin 1; minus strand). Cytogenetic location: 4p15.32.
Variant type: Deletion.
Coding change: c.1500del on transcript NM_006017.3 (MANE Select); coding-DNA position 1500, one base deleted (T; older notation c.1500delT).
Protein change: p.Ile500fs; shifts the reading frame from isoleucine 500.
Molecular consequence: frameshift variant.
Genome position (GRCh38, 1-based): chr4:16,000,574, A deleted on the plus strand (T on the coding strand, the reverse complement: PROM1 is on the minus strand); the first of 2 consecutive A bases (chr4:16,000,574-16,000,575); deleting either gives the same sequence. VCF-style (leftmost placement, unchanged base first): chr4-16000573-CA-C. GRCh37 (hg19) VCF-style: chr4-16002196-CA-C.
Other names: c.1473del, p.Ile491fs (NM_001145847.2, NM_001145848.2, NM_001145851.2 and 4 more transcripts); c.1500del, p.Ile500fs (NM_001145849.2, NM_001145850.2); short protein forms I491fs, I500fs.
Identifiers: ClinVar variation 936195 (VCV000936195.9), dbSNP rs1482618215, ClinGen allele CA549883967.
Genomic context (GRCh38, chr4:16,000,573, plus strand): 5'-TCGTGTAAGGTTCACAGATCAGTTTTTCCACATTTGCACCAAAGACAAAGGTAAGAACCA[CA>C]ATGATCATCAATATCCAGCAAAAGAGGAAACTTAATCCAACTCCACTGGAAAAAAATATA-3'

ClinVar aggregate classification (germline): Pathogenic. Review status: criteria provided, multiple submitters, no conflicts (2 of 4 stars). 2 submissions from 2 submitters: Pathogenic (2). Last evaluated 2024-02-15.

Conditions:
Retinitis pigmentosa 41 (RP41). Also called: RETINAL DEGENERATION, AUTOSOMAL RECESSIVE, PROMININ-RELATED. Identifiers: Orphanet 791, MedGen C2677516, MONDO:0012796, OMIM 612095.

Submissions (2):

Labcorp Genetics (formerly Invitae), Labcorp
Classification: Pathogenic. Last evaluated: 2024-02-15. Review status: criteria provided, single submitter. Criteria: Invitae Variant Classification Sherloc (09022015). Collection method: clinical testing. Allele origin: germline.
Comment: This sequence change creates a premature translational stop signal (p.Ile500Metfs*15) in the PROM1 gene. It is expected to result in an absent or disrupted protein product. Loss-of-function variants in PROM1 are known to be pathogenic (PMID: 17605048, 19718270, 24154662, 25474345). This variant is present in population databases (no rsID available, gnomAD 0.01%). This variant has not been reported in the literature in individuals affected with PROM1-related conditions. ClinVar contains an entry for this variant (Variation ID: 936195). For these reasons, this variant has been classified as Pathogenic.

DBGen Ocular Genomics
Classification: Pathogenic for Retinitis pigmentosa 41. Last evaluated: 2021-06-21. Review status: criteria provided, single submitter. Criteria: ACMG Guidelines, 2015. Collection method: clinical testing. Allele origin: germline. Affected: yes. Observed: 1 variant allele.

Literature cited by the submitters: PubMed 17605048 (cited by Labcorp Genetics (formerly Invitae), Labcorp); PubMed 19718270 (cited by Labcorp Genetics (formerly Invitae), Labcorp); PubMed 24154662 (cited by Labcorp Genetics (formerly Invitae), Labcorp); PubMed 25474345 (cited by Labcorp Genetics (formerly Invitae), Labcorp).